The following is an entry in ClinVar:

NM_000075.4(CDK4):c.752C>A (p.Pro251His)

Genes: TSPAN31 (tetraspanin 31; plus strand), CDK4 (cyclin dependent kinase 4; minus strand). Cytogenetic location: 12q14.1.
Variant type: single nucleotide variant.
Coding change: c.752C>A on transcript NM_000075.4 (MANE Select); coding-DNA position 752, C replaced by A.
Protein change: p.Pro251His; replaces proline 251 with histidine.
Molecular consequence: missense variant. On other transcripts: 3 prime UTR variant (3).
Genome position (GRCh38, 1-based): chr12:57,749,249, G>T on the plus strand (C>A on the coding strand, the complement: CDK4 is on the minus strand). VCF-style: chr12-57749249-G-T. GRCh37 (hg19) VCF-style: chr12-58143032-G-T.
Other names: c.*1959G>T (NM_001330168.2, NM_001330169.2, NM_005981.5); short protein forms P251H.
Identifiers: ClinVar variation 485483 (VCV000485483.14), dbSNP rs143670820, ClinGen allele CA6657694.
Genomic context (GRCh38, chr12:57,749,249, plus strand): 5'-AGCTGTGCTCCCGACTCCTCCATCTCAGGTACCACCGACTGCACTGGGCGGGGCCCTCTG[G>T]GGGGAAAGGCTCCACGGGGCAGGGATACATCTCGAGGCCAGTCATCCTCTGGAGGCAGCC-3'
Protein context (NP_000066.1, residues 241-261): DVSLPRGAFP[Pro251His]RGPRPVQSVV

ClinVar aggregate classification (germline): Conflicting classifications of pathogenicity. Review status: criteria provided, conflicting classifications (1 of 4 stars). 2 submissions from 2 submitters: Uncertain significance (1); Likely benign (1). Last evaluated 2026-02-03.

Conditions:
Hereditary cancer-predisposing syndrome. Also called: Neoplastic Syndromes, Hereditary; Tumor predisposition; Hereditary Cancer Syndrome; Hereditary neoplastic syndrome. Identifiers: Orphanet 140162, MedGen C0027672, MeSH D009386, MONDO:0015356.
Familial melanoma. Also called: Hereditary melanoma; Hereditary cutaneous melanoma. Identifiers: Orphanet 618, MedGen C1512419, MONDO:0018961.

Allele frequency attached by ClinVar (database versions not stated): gnomAD 0.00008 and 0.00009; TOPMed 0.00009; ESP Exome Variant Server 0.00023.
gnomAD v4.1: 17 of 1,613,988 alleles (0.0011%); highest among the groups gnomAD compares: African/African-American, 0.021%; no homozygotes.

Submissions (2):

Labcorp Genetics (formerly Invitae), Labcorp
Classification: Uncertain significance for Familial melanoma. Last evaluated: 2026-02-03. Review status: criteria provided, single submitter. Criteria: Invitae Variant Classification Sherloc (09022015). Collection method: clinical testing. Allele origin: germline.
Comment: This sequence change replaces proline, which is neutral and non-polar, with histidine, which is basic and polar, at codon 251 of the CDK4 protein (p.Pro251His). This variant is present in population databases (rs143670820, gnomAD 0.02%). This variant has not been reported in the literature in individuals affected with CDK4-related conditions. ClinVar contains an entry for this variant (Variation ID: 485483). An algorithm developed to predict the effect of missense changes on protein structure and function (PolyPhen-2) suggests that this variant is likely to be tolerated. In summary, the available evidence is currently insufficient to determine the role of this variant in disease. Therefore, it has been classified as a Variant of Uncertain Significance.

Ambry Genetics
Classification: Likely benign for Hereditary cancer-predisposing syndrome. Last evaluated: 2020-06-23. Review status: criteria provided, single submitter. Criteria: Ambry Variant Classification Scheme 2023. Collection method: clinical testing. Allele origin: germline.

Literature cited by the submitters: PubMed 27997549 (cited by Ambry Genetics).